The following is an entry in ClinVar:

NM_000384.3(APOB):c.8757A>G (p.Ile2919Met)

Gene: APOB (apolipoprotein B; minus strand). Cytogenetic location: 2p24.1.
Variant type: single nucleotide variant.
Coding change: c.8757A>G on transcript NM_000384.3 (MANE Select); coding-DNA position 8757, A replaced by G.
Protein change: p.Ile2919Met; replaces isoleucine 2919 with methionine.
Molecular consequence: missense variant.
Genome position (GRCh38, 1-based): chr2:21,008,111, T>C on the plus strand (A>G on the coding strand, the complement: APOB is on the minus strand). VCF-style: chr2-21008111-T-C. GRCh37 (hg19) VCF-style: chr2-21230983-T-C.
Other names: short protein forms I2919M.
Identifiers: ClinVar variation 2635714 (VCV002635714.4), dbSNP rs766882873, ClinGen allele CA065971.

ClinVar aggregate classification (germline): Conflicting classifications of pathogenicity. Review status: criteria provided, conflicting classifications (1 of 4 stars). 2 submissions from 2 submitters: Uncertain significance (1); Likely benign (1). Last evaluated 2023-09-23.

Conditions:
Familial hypobetalipoproteinemia 1. Also called: APOB-Related Familial Hypobetalipoproteinemia; Hypobetalipoproteinemia, normotriglyceridemic; Acanthocytosis with hypobetalipoproteinemia. Identifiers: MedGen C4551990, MONDO:0014252, OMIM 615558.
Hypercholesterolemia, autosomal dominant, type B (FHCL2). Also called: APOLIPOPROTEIN B-100, FAMILIAL DEFECTIVE; APOLIPOPROTEIN B-100, FAMILIAL LIGAND-DEFECTIVE; HYPERCHOLESTEROLEMIA, FAMILIAL, DUE TO LIGAND-DEFECTIVE APOLIPOPROTEIN B; Familial Hypercholesterolemia Type B; Familial hypercholesterolemia 2; APOB-Related Familial Hypercholesterolemia, Autosomal Dominant. Identifiers: MedGen C1704417, MONDO:0007751, OMIM 144010.
APOB-related disorder. Also called: APOB-related condition; APOB-related disorders.

Allele frequency attached by ClinVar (database versions not stated): gnomAD exomes below 0.00001; TOPMed below 0.00001; ExAC 0.00001; gnomAD 0.00001.
gnomAD v4.1: 3 of 1,613,954 alleles (0.00019%); highest among the groups gnomAD compares: Admixed American, 0.0033%; no homozygotes.

Submissions (2):

PreventionGenetics, part of Exact Sciences
Classification: Uncertain significance for APOB-related condition. Last evaluated: 2023-09-23. Review status: criteria provided, single submitter. Criteria: ACMG Guidelines, 2015. Collection method: clinical testing. Allele origin: germline.
Comment: The APOB c.8757A>G variant is predicted to result in the amino acid substitution p.Ile2919Met. To our knowledge, this variant has not been reported in the literature. This variant is reported in 0.0029% of alleles in individuals of Latino descent in gnomAD. At this time, the clinical significance of this variant is uncertain due to the absence of conclusive functional and genetic evidence.

Labcorp Genetics (formerly Invitae), Labcorp
Classification: Likely benign for Familial hypobetalipoproteinemia 1; Hypercholesterolemia, autosomal dominant, type B. Last evaluated: 2023-01-18. Review status: criteria provided, single submitter. Criteria: Invitae Variant Classification Sherloc (09022015). Collection method: clinical testing. Allele origin: germline.